The following is an entry in ClinVar:

ClinVar aggregate classification (germline): Pathogenic/Likely pathogenic. Review status: criteria provided, multiple submitters, no conflicts (2 of 4 stars). 9 submissions from 9 submitters: Pathogenic (6); Likely pathogenic (2). 1 of the submissions does not count toward it. Last evaluated 2025-11-25.

Conditions:
Gastric adenocarcinoma and proximal polyposis of the stomach (GAPPS). Also called: Gastric Adenocarcinoma and Proximal Polyposis of the Stomach (GAPPS); POLYPOSIS, GASTRIC; Polyposis, gastric, Dos Santos and de Magalhaes 1980. Identifiers: Orphanet 314022, MedGen C4749917, MONDO:0017790, OMIM 619182.
Classic or attenuated familial adenomatous polyposis. Identifiers: MedGen CN372698, MONDO:0021057.
Familial adenomatous polyposis 1 (FAP1). Also called: FAMILIAL ADENOMATOUS POLYPOSIS 1, ATTENUATED; POLYPOSIS, ADENOMATOUS INTESTINAL. Identifiers: MedGen C2713442, MONDO:0021056, OMIM 175100. Disease mechanism: loss of function.
Hereditary cancer-predisposing syndrome. Also called: Tumor predisposition; Hereditary Cancer Syndrome; Neoplastic Syndromes, Hereditary; Hereditary neoplastic syndrome. Identifiers: Orphanet 140162, MedGen C0027672, MeSH D009386, MONDO:0015356.

Submissions (9):

Labcorp Genetics (formerly Invitae), Labcorp
Classification: Pathogenic for Familial adenomatous polyposis 1. Last evaluated: 2025-11-25. Review status: criteria provided, single submitter. Criteria: Invitae Variant Classification Sherloc (09022015). Collection method: clinical testing. Allele origin: germline.
Comment: This variant occurs in a non-coding region of the APC gene. It does not change the encoded amino acid sequence of the APC protein. This variant is not present in population databases (gnomAD no frequency). This variant has been observed in individual(s) with gastric adenocarcinoma and proximal polyposis of the stomach (GAPPS) (PMID: 27087319, 27343414). It has also been observed to segregate with disease in related individuals. This variant is also known as c.-191T>C. ClinVar contains an entry for this variant (Variation ID: 243005). Studies have shown that this variant alters APC gene expression (PMID: 27087319). For these reasons, this variant has been classified as Pathogenic.

Center for Genomic Medicine, Rigshospitalet, Copenhagen University Hospital
Classification: Likely pathogenic. Last evaluated: 2025-03-04. Review status: criteria provided, single submitter. Criteria: ACMG Guidelines, 2015. Collection method: clinical testing. Allele origin: germline.

Color Diagnostics, LLC DBA Color Health
Classification: Pathogenic for Hereditary cancer-predisposing syndrome. Last evaluated: 2023-12-06. Review status: criteria provided, single submitter. Criteria: ACMG Guidelines, 2015. Collection method: clinical testing. Allele origin: germline.
Comment: This variant is located in the 5' untranslated region of the APC gene. This variant is reported as c.-191T>C on an alternative transcript NM_001127511.3. A functional study has shown this variant results in significantly decreased transcriptional activity compared to wild type protein in colorectal cancer and gastric cancer cell lines (PMID: 27087319). This variant has been reported in individuals and families affected with gastric adenocarcinoma and proximal polyposis of the stomach (GAPPS) (PMID: 2996804, 31409086). It has been shown that this variant segregates with GAPPS syndrome in numerous families (PMID: 2996804, 31409086). This variant has not been identified in the general population by the Genome Aggregation Database (gnomAD). Based on the available evidence, this variant is classified as Pathogenic.

Ambry Genetics
Classification: Pathogenic for Hereditary cancer-predisposing syndrome. Last evaluated: 2023-01-10. Review status: criteria provided, single submitter. Criteria: Ambry Variant Classification Scheme 2023. Collection method: clinical testing. Allele origin: germline.
Comment: The c.-191T>C pathogenic mutation is located in the 5' untranslated region (5&rsquo; UTR) of the APC gene. This pathogenic mutation results from a T to C substitution 191 bases upstream from the first translated codon. This alteration has been described in five families with clinically-confirmed gastric adenocarcinoma and proximal polyposis of the stomach (GAPPS). In all five of these families, the mutation was detected in the germline of all available affected individuals, and it was not detected in available unaffected individuals, showing strong segregation with disease (Repak R et al. Gastrointest. Endosc. 2016 Oct;84:718-25; Li J et al. Am. J. Hum. Genet. 2016 May;98:830-42). The alteration impacts a highly-conserved nucleotide within the YY1 binding motif of APC promoter 1B, and authors demonstrated disrupted protein binding associated with c.-191T>C. Furthermore, luciferase assay results showed significantly reduced promoter activity for this variant compared to wild type (Li J et al. Am. J. Hum. Genet. 2016 May;98:830-42). This nucleotide position is highly conserved on limited sequence alignment. Based on the supporting evidence, this alteration is interpreted as a disease-causing mutation.

CeGaT Center for Human Genetics Tuebingen
Classification: Pathogenic. Last evaluated: 2022-11-01. Review status: criteria provided, single submitter. Criteria: CeGaT Center For Human Genetics Tuebingen Variant Classification Criteria Version 2. Collection method: clinical testing. Allele origin: germline. Affected: yes. Observed: 1 variant allele.
Comment: APC: PP1:Strong, PM1, PM2, PS4:Moderate, PS3:Supporting

Department of Human Genetics, Hannover Medical School
Classification: Pathogenic for Gastric adenocarcinoma and proximal polyposis of the stomach. Last evaluated: 2022-01-31. Review status: criteria provided, single submitter. Criteria: ACMG Guidelines, 2015. Collection method: clinical testing. Allele origin: germline. Inheritance: Autosomal dominant inheritance. Affected: yes.

GeneDx
Classification: Pathogenic. Last evaluated: 2021-02-05. Review status: criteria provided, single submitter. Criteria: GeneDx Variant Classification Process June 2021. Collection method: clinical testing. Allele origin: germline. Affected: yes.
Comment: Describes a nucleotide substitution 191 base pairs upstream of the ATG translational start site of the APC promoter 1B region Published functional studies demonstrate a damaging effect: decreased YY1 binding and significantly reduced transcriptional activity compared to wild-type (Li 2016) Also defined as APC c.-30417T>C using an alternate reference sequence (NM_000038.5) This variant is associated with the following publications: (PMID: 32895333, 27087319, 27343414, 29968043)

Department of Pathology and Laboratory Medicine, Sinai Health System
Classification: Likely pathogenic for classic or attenuated familial adenomatous polyposis. Review status: criteria provided, single submitter. Criteria: ACMG Guidelines, 2015. Collection method: clinical testing. Allele origin: germline.

OMIM
Classification: Pathogenic for GASTRIC ADENOCARCINOMA AND PROXIMAL POLYPOSIS OF THE STOMACH. Last evaluated: 2025-09-04. Review status: no assertion criteria provided. Collection method: literature only. Allele origin: germline. Not counted in ClinVar's aggregate classification.

Literature cited by the submitters: PubMed 27087319 (cited by 5 submitters); PubMed 27343414 (cited by 4 submitters); PubMed 2996804 (cited by Color Diagnostics, LLC DBA Color Health); PubMed 31409086 (cited by Color Diagnostics, LLC DBA Color Health and OMIM); PubMed 21813476 (cited by Ambry Genetics and OMIM); PubMed 22027476 (cited by Ambry Genetics); PubMed 29112017 (cited by Ambry Genetics); PubMed 29968043 (cited by Ambry Genetics); PubMed 29141268 (cited by OMIM); PubMed 33242120 (cited by OMIM).

NM_001127511.3(APC):c.-191T>C

Genes: APC (APC regulator of Wnt signaling pathway; plus strand), LOC129994371 (ATAC-STARR-seq lymphoblastoid active region 22910; plus strand). Cytogenetic location: 5q22.2.
Variant type: single nucleotide variant.
Coding change: c.-191T>C on transcript NM_001127511.3; 191 bases upstream of the start codon, T replaced by C.
Molecular consequence: 5 prime UTR variant. On other transcripts: non-coding transcript variant (2), genic upstream transcript variant (1).
Genome position (GRCh38, 1-based): chr5:112,707,527, T>C. VCF-style: chr5-112707527-T-C. GRCh37 (hg19) VCF-style: chr5-112043224-T-C.
Other names: -191T-C; c.-374T>C (NM_001354895.2, NM_001407447.1, NM_001407452.1 and 3 more transcripts); c.-191T>C (NM_001354897.2, NM_001354902.2, NM_001407446.1); c.-141T>C (NM_001407448.1, NM_001407450.1, NM_001407457.1 and 1 more transcripts); c.-165T>C (NM_001407453.1); c.-1409T>C (NM_001407470.1, NM_001407472.1); c.-30417T>C (NM_000038.6).
Identifiers: ClinVar variation 243005 (VCV000243005.56), dbSNP rs879253783, ClinGen allele CA10584052.